The following is an entry in ClinVar:

NM_000038.6(APC):c.1176C>G (p.His392Gln)

Gene: APC (APC regulator of Wnt signaling pathway; plus strand). Cytogenetic location: 5q22.2.
Variant type: single nucleotide variant.
Coding change: c.1176C>G on transcript NM_000038.6 (MANE Select); coding-DNA position 1176, C replaced by G.
Protein change: p.His392Gln; replaces histidine 392 with glutamine.
Molecular consequence: missense variant. On other transcripts: intron variant (4).
Genome position (GRCh38, 1-based): chr5:112,819,208, C>G. VCF-style: chr5-112819208-C-G. GRCh37 (hg19) VCF-style: chr5-112154905-C-G.
Other names: c.1176C>G, p.His392Gln (NM_001127510.3, NM_001354895.2, NM_001354896.2); c.1122C>G, p.His374Gln (NM_001127511.3); c.1206C>G, p.His402Gln (NM_001354897.2); c.1101C>G, p.His367Gln (NM_001354898.2); c.1092C>G, p.His364Gln (NM_001354899.2); c.999C>G, p.His333Gln (NM_001354900.2, NM_001354901.2); c.327C>G, p.His109Gln (NM_001354906.2); c.964-61C>G (NM_001354902.2); and 3 more; short protein forms H392Q, H367Q, H374Q, H333Q, H402Q, H109Q, H364Q.
Identifiers: ClinVar variation 802134 (VCV000802134.13), dbSNP rs1580530148, ClinGen allele CA16023881.

ClinVar aggregate classification (germline): Uncertain significance. Review status: criteria provided, multiple submitters, no conflicts (2 of 4 stars). 4 submissions from 4 submitters: Uncertain significance (4). Last evaluated 2025-10-21.

Conditions:
Familial adenomatous polyposis 1 (FAP1). Also called: POLYPOSIS, ADENOMATOUS INTESTINAL; FAMILIAL ADENOMATOUS POLYPOSIS 1, ATTENUATED. Identifiers: MedGen C2713442, MONDO:0021056, OMIM 175100. Disease mechanism: loss of function.
Hereditary cancer-predisposing syndrome. Also called: Tumor predisposition; Neoplastic Syndromes, Hereditary; Hereditary Cancer Syndrome; Hereditary neoplastic syndrome. Identifiers: Orphanet 140162, MedGen C0027672, MeSH D009386, MONDO:0015356.

gnomAD v4.1: 1 of 1,614,014 alleles (0.000062%); no homozygotes.

Submissions (4):

Ambry Genetics
Classification: Uncertain significance for Hereditary cancer-predisposing syndrome. Last evaluated: 2025-10-21. Review status: criteria provided, single submitter. Criteria: Ambry Variant Classification Scheme 2023. Collection method: clinical testing. Allele origin: germline.
Comment: The p.H392Q variant (also known as c.1176C>G), located in coding exon 9 of the APC gene, results from a C to G substitution at nucleotide position 1176. The histidine at codon 392 is replaced by glutamine, an amino acid with highly similar properties. This amino acid position is conserved. In addition, in silico predictors for this gene do not accurately predict pathogenicity. Missense variants in APC are not a common cause of disease (Spier I et al. Genet Med. 2024 Feb;26(2):100992). Based on the available evidence, the clinical significance of this variant remains unclear.

Color Diagnostics, LLC DBA Color Health
Classification: Uncertain significance for Hereditary cancer-predisposing syndrome. Last evaluated: 2023-12-04. Review status: criteria provided, single submitter. Criteria: ACMG Guidelines, 2015. Collection method: clinical testing. Allele origin: germline.
Comment: This missense variant replaces histidine with glutamine at codon 392 of the APC protein. Computational prediction suggests that this variant may not impact protein structure and function (internally defined REVEL score threshold <= 0.5, PMID: 27666373). To our knowledge, functional studies have not been reported for this variant. This variant has not been reported in individuals affected with APC-related disorders in the literature. This variant has not been identified in the general population by the Genome Aggregation Database (gnomAD). The available evidence is insufficient to determine the role of this variant in disease conclusively. Therefore, this variant is classified as a Variant of Uncertain Significance.

Labcorp Genetics (formerly Invitae), Labcorp
Classification: Uncertain significance for Familial adenomatous polyposis 1. Last evaluated: 2022-11-15. Review status: criteria provided, single submitter. Criteria: Invitae Variant Classification Sherloc (09022015). Collection method: clinical testing. Allele origin: germline.
Comment: Advanced modeling of protein sequence and biophysical properties (such as structural, functional, and spatial information, amino acid conservation, physicochemical variation, residue mobility, and thermodynamic stability) performed at Invitae indicates that this missense variant is not expected to disrupt APC protein function. ClinVar contains an entry for this variant (Variation ID: 802134). This variant has not been reported in the literature in individuals affected with APC-related conditions. This variant is not present in population databases (gnomAD no frequency). This sequence change replaces histidine, which is basic and polar, with glutamine, which is neutral and polar, at codon 392 of the APC protein (p.His392Gln). In summary, the available evidence is currently insufficient to determine the role of this variant in disease. Therefore, it has been classified as a Variant of Uncertain Significance.

Mendelics
Classification: Uncertain significance for Familial adenomatous polyposis 1. Last evaluated: 2019-05-28. Review status: criteria provided, single submitter. Criteria: Mendelics Assertion Criteria 2017. Collection method: clinical testing. Allele origin: unknown.